The following is an entry in ClinVar:

NM_006431.3(CCT2):c.763C>T (p.Arg255Trp)

Gene: CCT2 (chaperonin containing TCP1 subunit 2; plus strand). Cytogenetic location: 12q15.
Variant type: single nucleotide variant.
Coding change: c.763C>T on transcript NM_006431.3 (MANE Select); coding-DNA position 763, C replaced by T.
Protein change: p.Arg255Trp; replaces arginine 255 with tryptophan.
Molecular consequence: missense variant.
Genome position (GRCh38, 1-based): chr12:69,592,988, C>T. VCF-style: chr12-69592988-C-T. GRCh37 (hg19) VCF-style: chr12-69986768-C-T.
Other names: c.763C>T (NM_006431.2); c.622C>T, p.Arg208Trp (NM_001198842.2); short protein forms R255W, R208W.
Identifiers: ClinVar variation 1938190 (VCV001938190.6), dbSNP rs1156599537, ClinGen allele CA385728252.
Genomic context (GRCh38, chr12:69,592,988, plus strand): 5'-AAAAAAAATAATGAAACTGATGCTCTCTTTATGCTTCGTTTGTCTTAGATATTTGGTTCC[C>T]GGGTAAGAGTTGACTCTACAGCAAAGGTTGCAGAAATAGAACATGCGGAAAAGGAAAAAA-3'
Protein context (NP_006422.1, residues 245-265): DTDKIKIFGS[Arg255Trp]VRVDSTAKVA

ClinVar aggregate classification (germline): Uncertain significance. Review status: criteria provided, multiple submitters, no conflicts (2 of 4 stars). 2 submissions from 2 submitters: Uncertain significance (2). Last evaluated 2024-11-07.

Allele frequency attached by ClinVar (database versions not stated): gnomAD exomes below 0.00001; TOPMed 0.00002.
gnomAD v4.1: 5 of 1,611,756 alleles (0.00031%); highest among the groups gnomAD compares: African/African-American, 0.0013%; no homozygotes.

Submissions (2):

Ambry Genetics
Classification: Uncertain significance. Last evaluated: 2024-11-07. Review status: criteria provided, single submitter. Criteria: Ambry Variant Classification Scheme 2023. Collection method: clinical testing. Allele origin: germline.

Labcorp Genetics (formerly Invitae), Labcorp
Classification: Uncertain significance. Last evaluated: 2022-08-01. Review status: criteria provided, single submitter. Criteria: Invitae Variant Classification Sherloc (09022015). Collection method: clinical testing. Allele origin: germline.
Comment: In summary, the available evidence is currently insufficient to determine the role of this variant in disease. Therefore, it has been classified as a Variant of Uncertain Significance. This sequence change replaces arginine, which is basic and polar, with tryptophan, which is neutral and slightly polar, at codon 255 of the CCT2 protein (p.Arg255Trp). The frequency data for this variant in the population databases is considered unreliable, as metrics indicate poor data quality at this position in the gnomAD database. This variant has not been reported in the literature in individuals affected with CCT2-related conditions. Algorithms developed to predict the effect of missense changes on protein structure and function are either unavailable or do not agree on the potential impact of this missense change (SIFT: "Deleterious"; PolyPhen-2: "Probably Damaging"; Align-GVGD: "Class C0").